The following is an entry in ClinVar:

ClinVar aggregate classification (germline): Uncertain significance (1 of 4 stars; one submission).

Submission:

Labcorp Genetics (formerly Invitae), Labcorp
Classification: Uncertain significance. Last evaluated: 2025-01-08. Review status: criteria provided, single submitter. Criteria: Invitae Variant Classification Sherloc (09022015). Collection method: clinical testing. Allele origin: germline.
Comment: This sequence change replaces arginine, which is basic and polar, with leucine, which is neutral and non-polar, at codon 1041 of the POLE protein (p.Arg1041Leu). This variant is not present in population databases (gnomAD no frequency). This variant has not been reported in the literature in individuals affected with POLE-related conditions. Invitae Evidence Modeling of protein sequence and biophysical properties (such as structural, functional, and spatial information, amino acid conservation, physicochemical variation, residue mobility, and thermodynamic stability) indicates that this missense variant is expected to disrupt POLE protein function with a positive predictive value of 80%. In summary, the available evidence is currently insufficient to determine the role of this variant in disease. Therefore, it has been classified as a Variant of Uncertain Significance.

NM_006231.4(POLE):c.3122G>T (p.Arg1041Leu)

Gene: POLE (DNA polymerase epsilon, catalytic subunit; minus strand). Cytogenetic location: 12q24.33.
Variant type: single nucleotide variant.
Coding change: c.3122G>T on transcript NM_006231.4 (MANE Select); coding-DNA position 3122, G replaced by T.
Protein change: p.Arg1041Leu; replaces arginine 1041 with leucine.
Molecular consequence: missense variant.
Genome position (GRCh38, 1-based): chr12:132,659,448, C>A on the plus strand (G>T on the coding strand, the complement: POLE is on the minus strand). VCF-style: chr12-132659448-C-A. GRCh37 (hg19) VCF-style: chr12-133236034-C-A.
Other names: short protein forms R1041L.
Identifiers: ClinVar variation 3608107 (VCV003608107.2).